The following is an entry in ClinVar:

ClinVar aggregate classification (germline): Uncertain significance. Review status: criteria provided, multiple submitters, no conflicts (2 of 4 stars). 2 submissions from 2 submitters: Uncertain significance (2). Last evaluated 2024-11-21.

Allele frequency attached by ClinVar (database versions not stated): gnomAD exomes below 0.00001; ExAC 0.00001; gnomAD 0.00001; TOPMed 0.00002.
gnomAD v4.1: 3 of 1,613,702 alleles (0.00019%); highest among the groups gnomAD compares: Non-Finnish European, 0.00025%; no homozygotes.

Submissions (2):

Blueprint Genetics
Classification: Uncertain significance. Last evaluated: 2024-11-21. Review status: criteria provided, single submitter. Criteria: ACMG Guidelines, 2015. Collection method: clinical testing. Allele origin: germline.

Labcorp Genetics (formerly Invitae), Labcorp
Classification: Uncertain significance. Last evaluated: 2021-08-31. Review status: criteria provided, single submitter. Criteria: Invitae Variant Classification Sherloc (09022015). Collection method: clinical testing. Allele origin: germline.
Comment: This sequence change replaces cysteine with tyrosine at codon 260 of the CNGB3 protein (p.Cys260Tyr). The cysteine residue is highly conserved and there is a large physicochemical difference between cysteine and tyrosine. This variant is present in population databases (rs773768338, ExAC 0.001%). This variant has not been reported in the literature in individuals affected with CNGB3-related conditions. Advanced modeling of protein sequence and biophysical properties (such as structural, functional, and spatial information, amino acid conservation, physicochemical variation, residue mobility, and thermodynamic stability) performed at Invitae indicates that this missense variant is expected to disrupt CNGB3 protein function. In summary, the available evidence is currently insufficient to determine the role of this variant in disease. Therefore, it has been classified as a Variant of Uncertain Significance.

NM_019098.5(CNGB3):c.779G>A (p.Cys260Tyr)

Gene: CNGB3 (cyclic nucleotide gated channel subunit beta 3; minus strand). Cytogenetic location: 8q21.3.
Variant type: single nucleotide variant.
Coding change: c.779G>A on transcript NM_019098.5 (MANE Select); coding-DNA position 779, G replaced by A.
Protein change: p.Cys260Tyr; replaces cysteine 260 with tyrosine.
Molecular consequence: missense variant.
Genome position (GRCh38, 1-based): chr8:86,666,998, C>T on the plus strand (G>A on the coding strand, the complement: CNGB3 is on the minus strand). VCF-style: chr8-86666998-C-T. GRCh37 (hg19) VCF-style: chr8-87679226-C-T.
Other names: short protein forms C260Y.
Identifiers: ClinVar variation 1468897 (VCV001468897.6), dbSNP rs773768338, ClinGen allele CA4800276.